The following is an entry in ClinVar:

ClinVar aggregate classification (germline): Uncertain significance. Review status: criteria provided, multiple submitters, no conflicts (2 of 4 stars). 2 submissions from 2 submitters: Uncertain significance (2). Last evaluated 2024-07-25.

Conditions:
Generalized epilepsy with febrile seizures plus, type 9 (GEFSP9). Also called: GEFS+, TYPE 9. Identifiers: Orphanet 36387, MedGen C4015395, MONDO:0014517, OMIM 616172.

gnomAD v4.1: 1 of 1,611,564 alleles (0.000062%); highest among the groups gnomAD compares: Admixed American, 0.0017%; no homozygotes.

Submissions (2):

Labcorp Genetics (formerly Invitae), Labcorp
Classification: Uncertain significance for Generalized epilepsy with febrile seizures plus, type 9. Last evaluated: 2024-07-25. Review status: criteria provided, single submitter. Criteria: Invitae Variant Classification Sherloc (09022015). Collection method: clinical testing. Allele origin: germline.
Comment: This sequence change replaces phenylalanine, which is neutral and non-polar, with leucine, which is neutral and non-polar, at codon 32 of the STX1B protein (p.Phe32Leu). This variant is present in population databases (rs758734411, gnomAD 0.003%). This variant has not been reported in the literature in individuals affected with STX1B-related conditions. ClinVar contains an entry for this variant (Variation ID: 475344). Advanced modeling of protein sequence and biophysical properties (such as structural, functional, and spatial information, amino acid conservation, physicochemical variation, residue mobility, and thermodynamic stability) performed at Invitae indicates that this missense variant is not expected to disrupt STX1B protein function with a negative predictive value of 80%. In summary, the available evidence is currently insufficient to determine the role of this variant in disease. Therefore, it has been classified as a Variant of Uncertain Significance.

GeneDx
Classification: Uncertain significance. Last evaluated: 2019-11-19. Review status: criteria provided, single submitter. Criteria: GeneDx Variant Classification Process June 2021. Collection method: clinical testing. Allele origin: germline. Affected: yes.
Comment: Has not been previously published as pathogenic or benign to our knowledge; In silico analysis, which includes protein predictors and evolutionary conservation, supports a deleterious effect; Not observed at a significant frequency in large population cohorts (Lek et al., 2016)

NM_052874.5(STX1B):c.96C>A (p.Phe32Leu)

Gene: STX1B (syntaxin 1B; minus strand). Cytogenetic location: 16p11.2.
Variant type: single nucleotide variant.
Coding change: c.96C>A on transcript NM_052874.5 (MANE Select); coding-DNA position 96, C replaced by A.
Protein change: p.Phe32Leu; replaces phenylalanine 32 with leucine.
Molecular consequence: missense variant.
Genome position (GRCh38, 1-based): chr16:31,001,538, G>T on the plus strand (C>A on the coding strand, the complement: STX1B is on the minus strand). VCF-style: chr16-31001538-G-T. GRCh37 (hg19) VCF-style: chr16-31012859-G-T.
Other names: short protein forms F32L.
Identifiers: ClinVar variation 475344 (VCV000475344.11), dbSNP rs758734411, ClinGen allele CA8018509.